The following is an entry in ClinVar:

ClinVar aggregate classification (germline): Uncertain significance. Review status: criteria provided, multiple submitters, no conflicts (2 of 4 stars). 2 submissions from 2 submitters: Uncertain significance (2). Last evaluated 2025-05-02.

Conditions:
Progressive familial heart block type IB (PFHB1B). Identifiers: Orphanet 871, MedGen C1970298, MONDO:0011474, OMIM 604559.
Cardiovascular phenotype. Identifiers: MedGen CN230736.

Allele frequency attached by ClinVar (database versions not stated): gnomAD exomes below 0.00001.
gnomAD v4.1: 1 of 1,606,646 alleles (0.000062%); highest among the groups gnomAD compares: Non-Finnish European, 0.000085%; no homozygotes.

Submissions (2):

Ambry Genetics
Classification: Uncertain significance for Cardiovascular phenotype. Last evaluated: 2025-05-02. Review status: criteria provided, single submitter. Criteria: Ambry Variant Classification Scheme 2023. Collection method: clinical testing. Allele origin: germline.
Comment: The p.A83G variant (also known as c.248C>G), located in coding exon 3 of the TRPM4 gene, results from a C to G substitution at nucleotide position 248. The alanine at codon 83 is replaced by glycine, an amino acid with similar properties. This amino acid position is conserved. In addition, this alteration is predicted to be tolerated by in silico analysis. Based on the available evidence, the clinical significance of this variant remains unclear.

Labcorp Genetics (formerly Invitae), Labcorp
Classification: Uncertain significance for Progressive familial heart block type IB. Last evaluated: 2025-04-26. Review status: criteria provided, single submitter. Criteria: Invitae Variant Classification Sherloc (09022015). Collection method: clinical testing. Allele origin: germline.
Comment: This sequence change replaces alanine, which is neutral and non-polar, with glycine, which is neutral and non-polar, at codon 83 of the TRPM4 protein (p.Ala83Gly). This variant is not present in population databases (gnomAD no frequency). This variant has not been reported in the literature in individuals affected with TRPM4-related conditions. ClinVar contains an entry for this variant (Variation ID: 1955441). An algorithm developed to predict the effect of missense changes on protein structure and function (PolyPhen-2) suggests that this variant is likely to be tolerated. In summary, the available evidence is currently insufficient to determine the role of this variant in disease. Therefore, it has been classified as a Variant of Uncertain Significance.

NM_017636.4(TRPM4):c.248C>G (p.Ala83Gly)

Gene: TRPM4 (transient receptor potential cation channel subfamily M member 4; plus strand). Cytogenetic location: 19q13.33.
Variant type: single nucleotide variant.
Coding change: c.248C>G on transcript NM_017636.4 (MANE Select); coding-DNA position 248, C replaced by G.
Protein change: p.Ala83Gly; replaces alanine 83 with glycine.
Molecular consequence: missense variant. On other transcripts: 5 prime UTR variant (1), intron variant (2).
Genome position (GRCh38, 1-based): chr19:49,166,196, C>G. VCF-style: chr19-49166196-C-G. GRCh37 (hg19) VCF-style: chr19-49669453-C-G.
Other names: c.248C>G, p.Ala83Gly (NM_001195227.2, NM_001321281.2); c.-1125C>G (NM_001321282.2); c.-74-2064C>G (NM_001321283.2); c.-237-2357C>G (NM_001321285.2); c.248C>G (NM_017636.3); short protein forms A83G.
Identifiers: ClinVar variation 1955441 (VCV001955441.6), dbSNP rs749596165, ClinGen allele CA9568737.